The following is an entry in ClinVar:

NM_000368.5(TSC1):c.664-15A>G

Gene: TSC1 (TSC complex subunit 1; minus strand). Cytogenetic location: 9q34.13.
Variant type: single nucleotide variant.
Coding change: c.664-15A>G on transcript NM_000368.5 (MANE Select); 15 bases into the intron before coding-DNA position 664, A replaced by G.
Molecular consequence: intron variant.
Genome position (GRCh38, 1-based): chr9:132,921,451, T>C on the plus strand (A>G on the coding strand, the complement: TSC1 is on the minus strand). VCF-style: chr9-132921451-T-C. GRCh37 (hg19) VCF-style: chr9-135796838-T-C.
Other names: c.301-15A>G (NM_001362177.2); c.511-15A>G (NM_001162427.2); c.664-15A>G (NM_001162426.2).
Identifiers: ClinVar variation 49079 (VCV000049079.16), dbSNP rs118203422, ClinGen allele CA007987.
Genomic context (GRCh38, chr9:132,921,451, plus strand): 5'-ATCCAGTCACTAATTCCGGATGAATTCGCACATGCTCCATCATTGGCTAGAAGAGTTGGG[T>C]TGACAAATTATAAAGGGCTGAATGTTTGTGGAACATCCAAATGATGGAATATTAGTTGAC-3'

ClinVar aggregate classification (germline): Pathogenic/Likely pathogenic. Review status: criteria provided, multiple submitters, no conflicts (2 of 4 stars). 6 submissions from 6 submitters: Pathogenic (3); Likely pathogenic (2). 1 of the submissions does not count toward it. Last evaluated 2025-10-07.

Conditions:
Tuberous sclerosis syndrome (TSC). Also called: Tuberous Sclerosis Complex; Tuberous sclerosis. Identifiers: Orphanet 805, MedGen C0041341, MONDO:0001734.
Hereditary cancer-predisposing syndrome. Also called: Neoplastic Syndromes, Hereditary; Tumor predisposition; Hereditary Cancer Syndrome; Hereditary neoplastic syndrome. Identifiers: Orphanet 140162, MedGen C0027672, MeSH D009386, MONDO:0015356.
Tuberous sclerosis 1 (TSC1). Identifiers: Orphanet 805, MedGen C1854465, MONDO:0008612, OMIM 191100.

Submissions (7):

Labcorp Genetics (formerly Invitae), Labcorp
Classification: Pathogenic for Tuberous sclerosis 1. Last evaluated: 2025-10-07. Review status: criteria provided, single submitter. Criteria: Invitae Variant Classification Sherloc (09022015). Collection method: clinical testing. Allele origin: germline.
Comment: This sequence change falls in intron 7 of the TSC1 gene. It does not directly change the encoded amino acid sequence of the TSC1 protein. RNA analysis indicates that this variant induces altered splicing and may result in an absent or altered protein product. This variant is not present in population databases (gnomAD no frequency). This variant has been observed in individual(s) with clinical features of tuberous sclerosis complex (PMID: 21520333, 26540169). In at least one individual the variant was observed to be de novo. Invitae Evidence Modeling of clinical and family history, age, sex, and reported ancestry of multiple individuals with this TSC1 variant has been performed. This variant is expected to be pathogenic with a positive predictive value of at least 99%. This is a validated machine learning model that incorporates the clinical features of 1,224,362 individuals referred to our laboratory for TSC1 testing. ClinVar contains an entry for this variant (Variation ID: 49079). Studies have shown that this variant results in activation of a cryptic splice site, and produces a non-functional protein and/or introduces a premature termination codon (internal data). For these reasons, this variant has been classified as Pathogenic.

Ambry Genetics
Classification: Pathogenic for Hereditary cancer-predisposing syndrome. Last evaluated: 2022-05-13. Review status: criteria provided, single submitter. Criteria: Ambry Variant Classification Scheme 2023. Collection method: clinical testing. Allele origin: germline.
Comment: The c.664-15A>G intronic pathogenic mutation results from an A to G substitution 15 nucleotides upstream from coding exon 6 in the TSC1 gene. This alteration has been observed in at least one individual with a personal and/or family history that is consistent with TSC1-related disease (Ambry internal data; Tyburczy ME et al. PLoS Genet, 2015 Nov;11:e1005637). RNA studies have demonstrated that this alteration results in abnormal splicing in the set of samples tested (Ambry internal data). This nucleotide position is well conserved in available vertebrate species. In silico splice site analysis predicts that this alteration will weaken the native splice acceptor site and may result in the creation or strengthening of a novel splice acceptor site. Based on the supporting evidence, this alteration is interpreted as a disease-causing mutation.

GeneDx
Classification: Likely pathogenic. Last evaluated: 2022-02-22. Review status: criteria provided, single submitter. Criteria: GeneDx Variant Classification Process June 2021. Collection method: clinical testing. Allele origin: germline. Affected: yes.
Comment: Not observed in large population cohorts (gnomAD); In silico analysis supports a deleterious effect on splicing; This variant is associated with the following publications: (PMID: 26540169)

3billion
Classification: Likely pathogenic for Tuberous sclerosis 1. Last evaluated: 2022-01-03. Review status: criteria provided, single submitter. Criteria: ACMG Guidelines, 2015. Collection method: clinical testing. Allele origin: germline. Affected: yes. Observed: 1 heterozygote.
Comment: The variant has been reported at least twice as pathogenic/likely pathogenic with clinical assertions and evidence for the classification (ClinVar ID: VCV000049079).It is not observed in the gnomAD v2.1.1 dataset (PM2_M). The variant has been previously reported as de novo in a similarly affected individual (3billion dataset, PS2_S). Therefore, this variant is classified as likely pathogenic according to the recommendation of ACMG/AMP guideline.

Division of Genomic Medicine, Department of Advanced Medicine, Medical Research Institute, Kanazawa Medical University
Classification: Pathogenic for Tuberous sclerosis 1. Last evaluated: 2020-07-10. Review status: criteria provided, single submitter. Criteria: ACMG Guidelines, 2015. Collection method: clinical testing. Allele origin: germline. Affected: yes. Observed: 1 variant allele.
Comment: This intronic substitiution create an acceptor site. In mRNA level of peripheral blood mononuclear cell of the patient, aberrant junction to this site (intron 7) and exon 8 skipping of TSC1 was observed. Both of them are out of frame.

Dr. Peter K. Rogan Lab, Western University
No classification provided (evidence only). Condition: Clear cell carcinoma of kidney. Review status: no classification provided. Collection method: in vitro. Allele origin: not applicable. Functional consequence: skipped exon, retained intron. Not counted in ClinVar's aggregate classification.

Tuberous sclerosis database (TSC1)
No classification provided. Condition: TSC. Review status: no classification provided. Criteria: Tuberous Sclerosis Database Assertion Criteria 2015. Collection method: curation. Allele origin: germline. Affected: yes. Not counted in ClinVar's aggregate classification.

Literature cited by the submitters: PubMed 21520333 (cited by Labcorp Genetics (formerly Invitae), Labcorp); PubMed 26540169 (cited by Labcorp Genetics (formerly Invitae), Labcorp and Ambry Genetics).